The following is an entry in ClinVar:

ClinVar aggregate classification (germline): Uncertain significance (1 of 4 stars; one submission).

Submission:

Labcorp Genetics (formerly Invitae), Labcorp
Classification: Uncertain significance. Last evaluated: 2025-02-24. Review status: criteria provided, single submitter. Criteria: Invitae Variant Classification Sherloc (09022015). Collection method: clinical testing. Allele origin: germline.
Comment: This sequence change replaces leucine, which is neutral and non-polar, with phenylalanine, which is neutral and non-polar, at codon 1108 of the GRIN2D protein (p.Leu1108Phe). This variant is not present in population databases (gnomAD no frequency). This variant has not been reported in the literature in individuals affected with GRIN2D-related conditions. ClinVar contains an entry for this variant (Variation ID: 1384872). Invitae Evidence Modeling of protein sequence and biophysical properties (such as structural, functional, and spatial information, amino acid conservation, physicochemical variation, residue mobility, and thermodynamic stability) indicates that this missense variant is not expected to disrupt GRIN2D protein function with a negative predictive value of 95%. In summary, the available evidence is currently insufficient to determine the role of this variant in disease. Therefore, it has been classified as a Variant of Uncertain Significance.

NM_000836.4(GRIN2D):c.3322C>T (p.Leu1108Phe)

Gene: GRIN2D (glutamate ionotropic receptor NMDA type subunit 2D; plus strand). Cytogenetic location: 19q13.33.
Variant type: single nucleotide variant.
Coding change: c.3322C>T on transcript NM_000836.4 (MANE Select); coding-DNA position 3322, C replaced by T.
Protein change: p.Leu1108Phe; replaces leucine 1108 with phenylalanine.
Molecular consequence: missense variant.
Genome position (GRCh38, 1-based): chr19:48,443,248, C>T. VCF-style: chr19-48443248-C-T. GRCh37 (hg19) VCF-style: chr19-48946505-C-T.
Other names: short protein forms L1108F.
Identifiers: ClinVar variation 1384872 (VCV001384872.6), dbSNP rs2147477218, ClinGen allele CA406675606.